The following is an entry in ClinVar:

ClinVar aggregate classification (germline): Likely pathogenic (1 of 4 stars; one submission).

Conditions:
Leukodystrophy, hypomyelinating, 6. Also called: TUBB4A-Associated Leukodystrophy; Hypomyelination with Atrophy of Basal Ganglia and Cerebellum (H-ABC); LEUKODYSTROPHY, HYPOMYELINATING, WITH ATROPHY OF THE BASAL GANGLIA AND CEREBELLUM. Identifiers: Orphanet 139441, MedGen C2676244, MONDO:0012905, OMIM 612438.

Submission:

Labcorp Genetics (formerly Invitae), Labcorp
Classification: Likely pathogenic for Leukodystrophy, hypomyelinating, 6. Last evaluated: 2022-03-01. Review status: criteria provided, single submitter. Criteria: Invitae Variant Classification Sherloc (09022015). Collection method: clinical testing. Allele origin: germline.
Comment: In summary, the currently available evidence indicates that the variant is pathogenic, but additional data are needed to prove that conclusively. Therefore, this variant has been classified as Likely Pathogenic. Algorithms developed to predict the effect of missense changes on protein structure and function are either unavailable or do not agree on the potential impact of this missense change (SIFT: "Deleterious"; PolyPhen-2: "Probably Damaging"; Align-GVGD: "Class C0"). This missense change has been observed in individual(s) with clinical features of TUBB4A-related conditions (Invitae). In at least one individual the variant was observed to be de novo. This variant is not present in population databases (gnomAD no frequency). This sequence change replaces leucine, which is neutral and non-polar, with methionine, which is neutral and non-polar, at codon 246 of the TUBB4A protein (p.Leu246Met).

NM_006087.4(TUBB4A):c.736C>A (p.Leu246Met)

Gene: TUBB4A (tubulin beta 4A class IVa; minus strand). Cytogenetic location: 19p13.3.
Variant type: single nucleotide variant.
Coding change: c.736C>A on transcript NM_006087.4 (MANE Select); coding-DNA position 736, C replaced by A.
Protein change: p.Leu246Met; replaces leucine 246 with methionine.
Molecular consequence: missense variant.
Genome position (GRCh38, 1-based): chr19:6,495,763, G>T on the plus strand (C>A on the coding strand, the complement: TUBB4A is on the minus strand). VCF-style: chr19-6495763-G-T. GRCh37 (hg19) VCF-style: chr19-6495774-G-T.
Other names: c.889C>A, p.Leu297Met (NM_001289123.2); c.871C>A, p.Leu291Met (NM_001289127.2); c.736C>A, p.Leu246Met (NM_001289129.2); c.520C>A, p.Leu174Met (NM_001289130.2, NM_001289131.2); short protein forms L246M, L174M, L291M, L297M.
Identifiers: ClinVar variation 1450009 (VCV001450009.6), dbSNP rs2145244734, ClinGen allele CA403591250.